The following is an entry in ClinVar:

ClinVar aggregate classification (germline): Uncertain significance. Review status: criteria provided, single submitter (1 of 4 stars). 2 submissions from 2 submitters: Uncertain significance (1). 1 of the submissions does not count toward it. Last evaluated 2021-11-09.

Conditions:
Wilson disease (WND). Also called: Wilson's disease. Identifiers: Orphanet 905, MedGen C0019202, MONDO:0010200, OMIM 277900. Disease mechanism: loss of function.

Submissions (2):

Blueprint Genetics
Classification: Uncertain significance. Last evaluated: 2021-11-09. Review status: criteria provided, single submitter. Criteria: ACMG Guidelines, 2015. Collection method: clinical testing. Allele origin: germline.

Department of Pathology and Laboratory Medicine, Sinai Health System
Classification: Uncertain significance for Wilson disease. Review status: no assertion criteria provided. Collection method: clinical testing. Allele origin: unknown. Affected: yes. Study: The Canadian Open Genetics Repository (COGR). Not counted in ClinVar's aggregate classification.
Comment: Allele frequency is absent from general population database (gnomAD, UK10K). 3 pathogenic variants with a higher frequency threshold than recommended are known in this gene, including: chr13:52523859:G>A, frequency: 0.235%; chr13:52535985:A>C, frequency: 0.232%; chr13:52532469:C>A, frequency: 0.189%.

NM_000053.4(ATP7B):c.1030C>T (p.His344Tyr)

Gene: ATP7B (ATPase copper transporting beta; minus strand). Cytogenetic location: 13q14.3.
Variant type: single nucleotide variant.
Coding change: c.1030C>T on transcript NM_000053.4 (MANE Select); coding-DNA position 1030, C replaced by T.
Protein change: p.His344Tyr; replaces histidine 344 with tyrosine.
Molecular consequence: missense variant. On other transcripts: intron variant (1).
Genome position (GRCh38, 1-based): chr13:51,974,190, G>A on the plus strand (C>T on the coding strand, the complement: ATP7B is on the minus strand). VCF-style: chr13-51974190-G-A. GRCh37 (hg19) VCF-style: chr13-52548326-G-A.
Other names: c.1030C>T, p.His344Tyr (NM_001005918.3, NM_001330578.2, NM_001330579.2); c.803-106C>T (NM_001243182.2); short protein forms H344Y.
Identifiers: ClinVar variation 1050375 (VCV001050375.2), dbSNP rs2140077548, ClinGen allele CA388039424.